The following is an entry in ClinVar:

NM_152564.5(VPS13B):c.3490T>C (p.Tyr1164His)

Gene: VPS13B (vacuolar protein sorting 13 homolog B; plus strand). Cytogenetic location: 8q22.2.
Variant type: single nucleotide variant.
Coding change: c.3490T>C on transcript NM_152564.5 (MANE Select); coding-DNA position 3490, T replaced by C.
Protein change: p.Tyr1164His; replaces tyrosine 1164 with histidine.
Molecular consequence: missense variant.
Genome position (GRCh38, 1-based): chr8:99,467,458, T>C. VCF-style: chr8-99467458-T-C. GRCh37 (hg19) VCF-style: chr8-100479686-T-C.
Other names: c.3490T>C, p.Tyr1164His (NM_017890.5); c.3490T>C (NM_017890.3); short protein forms Y1164H.
Identifiers: ClinVar variation 2186395 (VCV002186395.2), dbSNP rs756723356, ClinGen allele CA4823260.

ClinVar aggregate classification (germline): Uncertain significance. Review status: criteria provided, multiple submitters, no conflicts (2 of 4 stars). 2 submissions from 2 submitters: Uncertain significance (2). Last evaluated 2025-10-30.

Conditions:
Inborn genetic diseases. Identifiers: MedGen C0950123, MeSH D030342.
Cohen syndrome (COH1). Also called: Cutis verticis gyrata, retinitis pigmentosa, and sensorineural deafness; PEPPER SYNDROME. Identifiers: Orphanet 193, MedGen C0265223, MONDO:0008999, OMIM 216550.

Allele frequency attached by ClinVar (database versions not stated): ExAC 0.00001; gnomAD exomes 0.00002.
gnomAD v4.1: 28 of 1,613,786 alleles (0.0017%); highest among the groups gnomAD compares: Non-Finnish European, 0.0023%; no homozygotes.

Submissions (2):

Ambry Genetics
Classification: Uncertain significance for Inborn genetic diseases. Last evaluated: 2025-10-30. Review status: criteria provided, single submitter. Criteria: Ambry Variant Classification Scheme 2023. Collection method: clinical testing. Allele origin: germline.

Labcorp Genetics (formerly Invitae), Labcorp
Classification: Uncertain significance for Cohen syndrome. Last evaluated: 2022-04-09. Review status: criteria provided, single submitter. Criteria: Invitae Variant Classification Sherloc (09022015). Collection method: clinical testing. Allele origin: germline.
Comment: This sequence change replaces tyrosine, which is neutral and polar, with histidine, which is basic and polar, at codon 1164 of the VPS13B protein (p.Tyr1164His). This variant is present in population databases (rs756723356, gnomAD 0.002%). This variant has not been reported in the literature in individuals affected with VPS13B-related conditions. Algorithms developed to predict the effect of missense changes on protein structure and function are either unavailable or do not agree on the potential impact of this missense change (SIFT: "Not Available"; PolyPhen-2: "Probably Damaging"; Align-GVGD: "Not Available"). In summary, the available evidence is currently insufficient to determine the role of this variant in disease. Therefore, it has been classified as a Variant of Uncertain Significance.